The following is an entry in ClinVar:

ClinVar aggregate classification (germline): Likely pathogenic (1 of 4 stars; one submission).

Conditions:
Spondyloperipheral dysplasia. Also called: SPONDYLOPERIPHERAL DYSPLASIA WITH SHORT ULNA; Spondyloperipheral dysplasia-short ulna syndrome. Identifiers: Orphanet 1856, MedGen C0796173, MONDO:0010078, OMIM 271700.

Submission:

Institute of Immunology and Genetics Kaiserslautern
Classification: Likely pathogenic for Spondyloperipheral dysplasia. Last evaluated: 2025-01-03. Review status: criteria provided, single submitter. Criteria: ACMG Guidelines, 2015. Collection method: clinical testing. Allele origin: de novo. Affected: yes.
Comment: ACMG Criteria:PS2, PM2_P, PM5_P, PP3 ; Variant was found in heterozygous state. De novo-status was confirmed via in-house segregation analysis.

NM_001844.5(COL2A1):c.2824G>C (p.Gly942Arg)

Gene: COL2A1 (collagen type II alpha 1 chain; minus strand). Cytogenetic location: 12q13.11.
Variant type: single nucleotide variant.
Coding change: c.2824G>C on transcript NM_001844.5 (MANE Select); coding-DNA position 2824, G replaced by C.
Protein change: p.Gly942Arg; replaces glycine 942 with arginine.
Molecular consequence: missense variant.
Genome position (GRCh38, 1-based): chr12:47,978,668, C>G on the plus strand (G>C on the coding strand, the complement: COL2A1 is on the minus strand). VCF-style: chr12-47978668-C-G. GRCh37 (hg19) VCF-style: chr12-48372451-C-G.
Other names: c.2617G>C, p.Gly873Arg (NM_033150.3); short protein forms G873R, G942R.
Identifiers: ClinVar variation 3897550 (VCV003897550.1).